The following is an entry in ClinVar:

NM_001004051.4(GPRASP2):c.959C>A (p.Thr320Lys)

Genes: ARMCX5-GPRASP2 (ARMCX5-GPRASP2 readthrough; plus strand), GPRASP2 (G protein-coupled receptor associated sorting protein 2; plus strand). Cytogenetic location: Xq22.1.
Variant type: single nucleotide variant.
Coding change: c.959C>A on transcript NM_001004051.4 (MANE Select); coding-DNA position 959, C replaced by A.
Protein change: p.Thr320Lys; replaces threonine 320 with lysine.
Molecular consequence: missense variant. On other transcripts: intron variant (3).
Genome position (GRCh38, 1-based): chrX:102,715,828, C>A. VCF-style: chrX-102715828-C-A. GRCh37 (hg19) VCF-style: chrX-101970756-C-A.
Other names: c.959C>A, p.Thr320Lys (NM_001199818.1, NM_001184874.3, NM_001184875.3 and 2 more transcripts); c.-820+1562C>A (NM_001350268.2); c.-752+1562C>A (NM_001350269.2); c.-721+1562C>A (NM_001350270.1); short protein forms T320K.
Identifiers: ClinVar variation 4882326 (VCV004882326.2).

ClinVar aggregate classification (germline): Uncertain significance (1 of 4 stars; one submission).

gnomAD v4.1: 41 of 1,211,512 alleles (0.0034%); highest among the groups gnomAD compares: East Asian, 0.035%; no homozygotes.

Submission:

Dasa
Classification: Uncertain significance. Last evaluated: 2026-02-23. Review status: criteria provided, single submitter. Criteria: DASA Assertion Criteria. Collection method: clinical testing. Allele origin: germline.
Comment: NM_001004051.4(GPRASP2):c.959C>A (p.Thr320Lys) is a missense variant that results in the substitution of threonine with lysine. This variant is rare in population databases. Computational prediction algorithms are consistent with a benign effect. The currently available literature and clinical evidence are not sufficient to establish a definitive association between this variant and the reported condition. Therefore, this variant is classified as a variant of uncertain significance.